The following is an entry in ClinVar:

ClinVar aggregate classification (germline): Conflicting classifications of pathogenicity. Review status: criteria provided, conflicting classifications (1 of 4 stars). 2 submissions from 2 submitters: Likely pathogenic (1); Uncertain significance (1). Last evaluated 2025-06-11.

Conditions:
Wilms tumor 1 (WT1). Also called: Wilms tumor, somatic. Identifiers: Orphanet 654, MedGen CN033288, MONDO:0008679, OMIM 194070.
11p partial monosomy syndrome (WAGR). Also called: WAGR syndrome; WAGR Complex; WAGR Spectrum Disorder; CHROMOSOME 11p13 DELETION SYNDROME. Identifiers: Orphanet 893, MedGen C0206115, MONDO:0008681, OMIM 194072.
Drash syndrome (DDS). Also called: WILMS TUMOR AND PSEUDO- OR TRUE HERMAPHRODITISM; NEPHROPATHY, WILMS TUMOR, AND GENITAL ANOMALIES. Identifiers: Orphanet 220, MedGen C0950121, MONDO:0008682, OMIM 194080.
Frasier syndrome. Identifiers: Orphanet 347, MedGen C0950122, MeSH D052159, MONDO:0007635, OMIM 136680.

Submissions (2):

GeneDx
Classification: Likely pathogenic. Last evaluated: 2025-06-11. Review status: criteria provided, single submitter. Criteria: GeneDx Variant Classification Process June 2021. Collection method: clinical testing. Allele origin: germline. Affected: yes.
Comment: Reported in a proband in published literature with glomerular disease and childhood-onset kidney failure onset (PMID: 38972501); Not observed at significant frequency in large population cohorts (gnomAD); In silico analysis supports that this missense variant has a deleterious effect on protein structure/function; This variant is associated with the following publications: (PMID: 38972501, 29294058, 36253919)

Labcorp Genetics (formerly Invitae), Labcorp
Classification: Uncertain significance for Wilms tumor 1; Drash syndrome; 11p partial monosomy syndrome; Frasier syndrome. Last evaluated: 2023-10-05. Review status: criteria provided, single submitter. Criteria: Invitae Variant Classification Sherloc (09022015). Collection method: clinical testing. Allele origin: germline.
Comment: This sequence change replaces aspartic acid, which is acidic and polar, with glycine, which is neutral and non-polar, at codon 497 of the WT1 protein (p.Asp497Gly). This variant is not present in population databases (gnomAD no frequency). This variant has not been reported in the literature in individuals affected with WT1-related conditions. Advanced modeling of protein sequence and biophysical properties (such as structural, functional, and spatial information, amino acid conservation, physicochemical variation, residue mobility, and thermodynamic stability) performed at Invitae indicates that this missense variant is expected to disrupt WT1 protein function. In summary, the available evidence is currently insufficient to determine the role of this variant in disease. Therefore, it has been classified as a Variant of Uncertain Significance.

NM_024426.6(WT1):c.1505A>G (p.Asp502Gly)

Gene: WT1 (WT1 transcription factor; minus strand). Cytogenetic location: 11p13.
Variant type: single nucleotide variant.
Coding change: c.1505A>G on transcript NM_024426.6 (MANE Select); coding-DNA position 1505, A replaced by G.
Protein change: p.Asp502Gly; replaces aspartic acid 502 with glycine.
Molecular consequence: missense variant. On other transcripts: non-coding transcript variant (2).
Genome position (GRCh38, 1-based): chr11:32,389,122, T>C on the plus strand (A>G on the coding strand, the complement: WT1 is on the minus strand). VCF-style: chr11-32389122-T-C. GRCh37 (hg19) VCF-style: chr11-32410668-T-C.
Other names: c.1439A>G, p.Asp480Gly (NM_024425.2); c.1490A>G (NM_024426.4); c.1445A>G, p.Asp482Gly (NM_000378.6); c.845A>G, p.Asp282Gly (NM_001198551.2); c.803A>G, p.Asp268Gly (NM_001198552.2); c.317A>G, p.Asp106Gly (NM_001367854.1); c.1490A>G, p.Asp497Gly (NM_001407044.1); c.1454A>G, p.Asp485Gly (NM_001407045.1); and 7 more; short protein forms D106G, D268G, D282G, D454G, D482G, D458G, D471G, D485G.
Identifiers: ClinVar variation 2952581 (VCV002952581.4), dbSNP rs2132898640, ClinGen allele CA379957627.